The following is an entry in ClinVar:

NM_001105206.3(LAMA4):c.1854G>A (p.Gln618=)

Gene: LAMA4 (laminin subunit alpha 4; minus strand). Cytogenetic location: 6q21.
Variant type: single nucleotide variant.
Coding change: c.1854G>A on transcript NM_001105206.3 (MANE Select); coding-DNA position 1854, G replaced by A.
Protein change: p.Gln618=; no amino-acid change (glutamine 618 retained).
Molecular consequence: synonymous variant.
Genome position (GRCh38, 1-based): chr6:112,155,670, C>T on the plus strand (G>A on the coding strand, the complement: LAMA4 is on the minus strand). VCF-style: chr6-112155670-C-T. GRCh37 (hg19) VCF-style: chr6-112476872-C-T.
Other names: p.Q611Q:CAG>CAA; c.1833G>A, p.Gln611= (NM_001105207.3, NM_002290.5).
Identifiers: ClinVar variation 138069 (VCV000138069.13), dbSNP rs587781014, ClinGen allele CA291864.

ClinVar aggregate classification (germline): Benign/Likely benign. Review status: criteria provided, multiple submitters, no conflicts (2 of 4 stars). 4 submissions from 4 submitters: Benign (1); Likely benign (3). Last evaluated 2023-09-23.

Conditions:
Cardiovascular phenotype. Identifiers: MedGen CN230736.
Dilated cardiomyopathy 1JJ (CMD1JJ). Identifiers: Orphanet 154, MedGen C3808935, MONDO:0014095, OMIM 615235.
Cardiomyopathy (CMYO). Also called: Cardiomyopathies. Identifiers: Orphanet 167848, MedGen C0878544, MONDO:0004994, HP:0001638. Inheritance: Various modes of inheritance.

Allele frequency attached by ClinVar (database versions not stated): ExAC 0.00002; gnomAD exomes 0.00003 and 0.00010; gnomAD 0.00001; TOPMed 0.00003.
gnomAD v4.1: 146 of 1,613,986 alleles (0.009%); highest among the groups gnomAD compares: Non-Finnish European, 0.012%; no homozygotes.

Submissions (4):

Labcorp Genetics (formerly Invitae), Labcorp
Classification: Likely benign for Dilated cardiomyopathy 1JJ. Last evaluated: 2023-09-23. Review status: criteria provided, single submitter. Criteria: Invitae Variant Classification Sherloc (09022015). Collection method: clinical testing. Allele origin: germline.

Ambry Genetics
Classification: Likely benign for Cardiovascular phenotype. Last evaluated: 2020-12-15. Review status: criteria provided, single submitter. Criteria: Ambry Variant Classification Scheme 2023. Collection method: clinical testing. Allele origin: germline.

CHEO Genetics Diagnostic Laboratory, Children's Hospital of Eastern Ontario
Classification: Likely benign for Cardiomyopathy. Last evaluated: 2017-11-27. Review status: criteria provided, single submitter. Criteria: ACMG Guidelines, 2015. Collection method: clinical testing. Allele origin: germline.

GeneDx
Classification: Benign. Last evaluated: 2014-05-24. Review status: criteria provided, single submitter. Criteria: GeneDx Variant Classification (06012015). Collection method: clinical testing. Allele origin: germline. Affected: yes.
Comment: This variant is considered likely benign or benign based on one or more of the following criteria: it is a conservative change, it occurs at a poorly conserved position in the protein, it is predicted to be benign by multiple in silico algorithms, and/or has population frequency not consistent with disease.